The following is an entry in ClinVar:

NM_003816.3(ADAM9):c.435G>T (p.Ala145=)

Gene: ADAM9 (ADAM metallopeptidase domain 9; plus strand). Cytogenetic location: 8p11.22.
Variant type: single nucleotide variant.
Coding change: c.435G>T on transcript NM_003816.3 (MANE Select); coding-DNA position 435, G replaced by T.
Protein change: p.Ala145=; no amino-acid change (alanine 145 retained).
Molecular consequence: synonymous variant. On other transcripts: non-coding transcript variant (3).
Genome position (GRCh38, 1-based): chr8:39,017,243, G>T. VCF-style: chr8-39017243-G-T. GRCh37 (hg19) VCF-style: chr8-38874762-G-T.
Identifiers: ClinVar variation 1900121 (VCV001900121.6), dbSNP rs1025113566, ClinGen allele CA460407168.

ClinVar aggregate classification (germline): Conflicting classifications of pathogenicity. Review status: criteria provided, conflicting classifications (1 of 4 stars). 2 submissions from 2 submitters: Uncertain significance (1); Likely benign (1). Last evaluated 2022-07-26.

gnomAD v4.1: 21 of 1,614,004 alleles (0.0013%); highest among the groups gnomAD compares: Non-Finnish European, 0.0016%; no homozygotes.

Submissions (2):

Blueprint Genetics
Classification: Likely benign. Last evaluated: 2022-07-26. Review status: criteria provided, single submitter. Criteria: ACMG Guidelines, 2015. Collection method: clinical testing. Allele origin: germline.

Labcorp Genetics (formerly Invitae), Labcorp
Classification: Uncertain significance. Last evaluated: 2022-04-13. Review status: criteria provided, single submitter. Criteria: Invitae Variant Classification Sherloc (09022015). Collection method: clinical testing. Allele origin: germline.
Comment: In summary, the available evidence is currently insufficient to determine the role of this variant in disease. Therefore, it has been classified as a Variant of Uncertain Significance. Algorithms developed to predict the effect of sequence changes on RNA splicing suggest that this variant may create or strengthen a splice site. This variant has not been reported in the literature in individuals affected with ADAM9-related conditions. This variant is not present in population databases (gnomAD no frequency). This sequence change affects codon 145 of the ADAM9 mRNA. It is a 'silent' change, meaning that it does not change the encoded amino acid sequence of the ADAM9 protein.